The following is an entry in ClinVar:

ClinVar aggregate classification (germline): Uncertain significance (1 of 4 stars; one submission).

gnomAD v4.1: 5 of 1,614,078 alleles (0.00031%); highest among the groups gnomAD compares: African/African-American, 0.0013%; no homozygotes.

Submission:

Labcorp Genetics (formerly Invitae), Labcorp
Classification: Uncertain significance. Last evaluated: 2024-05-20. Review status: criteria provided, single submitter. Criteria: Invitae Variant Classification Sherloc (09022015). Collection method: clinical testing. Allele origin: germline.
Comment: This sequence change replaces arginine, which is basic and polar, with glutamine, which is neutral and polar, at codon 339 of the EXTL3 protein (p.Arg339Gln). This variant is present in population databases (rs755764576, gnomAD 0.004%). This variant has not been reported in the literature in individuals affected with EXTL3-related conditions. Advanced modeling of protein sequence and biophysical properties (such as structural, functional, and spatial information, amino acid conservation, physicochemical variation, residue mobility, and thermodynamic stability) has been performed at Invitae for this missense variant, however the output from this modeling did not meet the statistical confidence thresholds required to predict the impact of this variant on EXTL3 protein function. In summary, the available evidence is currently insufficient to determine the role of this variant in disease. Therefore, it has been classified as a Variant of Uncertain Significance.

NM_001440.4(EXTL3):c.1016G>A (p.Arg339Gln)

Gene: EXTL3 (exostosin like glycosyltransferase 3; plus strand). Cytogenetic location: 8p21.1.
Variant type: single nucleotide variant.
Coding change: c.1016G>A on transcript NM_001440.4 (MANE Select); coding-DNA position 1016, G replaced by A.
Protein change: p.Arg339Gln; replaces arginine 339 with glutamine.
Molecular consequence: missense variant.
Genome position (GRCh38, 1-based): chr8:28,717,075, G>A. VCF-style: chr8-28717075-G-A. GRCh37 (hg19) VCF-style: chr8-28574592-G-A.
Other names: short protein forms R339Q.
Identifiers: ClinVar variation 3610791 (VCV003610791.2).